The following is an entry in ClinVar:

ClinVar aggregate classification (germline): Uncertain significance (1 of 4 stars; one submission).

Conditions:
Hereditary cancer-predisposing syndrome. Also called: Hereditary neoplastic syndrome; Neoplastic Syndromes, Hereditary; Tumor predisposition; Hereditary Cancer Syndrome. Identifiers: Orphanet 140162, MedGen C0027672, MeSH D009386, MONDO:0015356.

Submission:

Ambry Genetics
Classification: Uncertain significance for Hereditary cancer-predisposing syndrome. Last evaluated: 2024-12-12. Review status: criteria provided, single submitter. Criteria: Ambry Variant Classification Scheme 2023. Collection method: clinical testing. Allele origin: germline.
Comment: The p.R116G variant (also known as c.346C>G), located in coding exon 1 of the GREM1 gene, results from a C to G substitution at nucleotide position 346. The arginine at codon 116 is replaced by glycine, an amino acid with dissimilar properties. This amino acid position is conserved. In addition, the in silico prediction for this alteration is inconclusive. Based on the available evidence, the clinical significance of this variant remains unclear.

NM_013372.7(GREM1):c.346C>G (p.Arg116Gly)

Gene: GREM1 (gremlin 1, DAN family BMP antagonist; plus strand). Cytogenetic location: 15q13.3.
Variant type: single nucleotide variant.
Coding change: c.346C>G on transcript NM_013372.7 (MANE Select); coding-DNA position 346, C replaced by G.
Protein change: p.Arg116Gly; replaces arginine 116 with glycine.
Molecular consequence: missense variant.
Genome position (GRCh38, 1-based): chr15:32,731,036, C>G. VCF-style: chr15-32731036-C-G. GRCh37 (hg19) VCF-style: chr15-33023237-C-G.
Other names: c.136C>G, p.Arg46Gly (NM_001191322.2); c.223C>G, p.Arg75Gly (NM_001191323.2); c.346C>G, p.Arg116Gly (NM_001368719.1); short protein forms R46G, R75G, R116G.
Identifiers: ClinVar variation 3855659 (VCV003855659.1).